The following is an entry in ClinVar:

ClinVar aggregate classification (germline): Uncertain significance (1 of 4 stars; one submission).

Allele frequency attached by ClinVar (database versions not stated): ExAC 0.00001.
gnomAD v4.1: 6 of 1,606,734 alleles (0.00037%); highest among the groups gnomAD compares: South Asian, 0.0066%; no homozygotes.

Submission:

Labcorp Genetics (formerly Invitae), Labcorp
Classification: Uncertain significance. Last evaluated: 2021-03-31. Review status: criteria provided, single submitter. Criteria: Invitae Variant Classification Sherloc (09022015). Collection method: clinical testing. Allele origin: germline.
Comment: This sequence change replaces leucine with methionine at codon 614 of the COL27A1 protein (p.Leu614Met). The leucine residue is highly conserved and there is a small physicochemical difference between leucine and methionine. This variant is present in population databases (rs755438789, ExAC 0.007%). This variant has not been reported in the literature in individuals with COL27A1-related conditions. Advanced modeling of protein sequence and biophysical properties (such as structural, functional, and spatial information, amino acid conservation, physicochemical variation, residue mobility, and thermodynamic stability) performed at Invitae indicates that this missense variant is not expected to disrupt COL27A1 protein function. In summary, the available evidence is currently insufficient to determine the role of this variant in disease. Therefore, it has been classified as a Variant of Uncertain Significance.

NM_032888.4(COL27A1):c.1840C>A (p.Leu614Met)

Gene: COL27A1 (collagen type XXVII alpha 1 chain; plus strand). Cytogenetic location: 9q32.
Variant type: single nucleotide variant.
Coding change: c.1840C>A on transcript NM_032888.4 (MANE Select); coding-DNA position 1840, C replaced by A.
Protein change: p.Leu614Met; replaces leucine 614 with methionine.
Molecular consequence: missense variant.
Genome position (GRCh38, 1-based): chr9:114,169,395, C>A. VCF-style: chr9-114169395-C-A. GRCh37 (hg19) VCF-style: chr9-116931675-C-A.
Other names: short protein forms L614M.
Identifiers: ClinVar variation 2415853 (VCV002415853.3), dbSNP rs755438789, ClinGen allele CA5201490.